The following is an entry in ClinVar:

ClinVar aggregate classification (germline): Uncertain significance (1 of 4 stars; one submission).

Conditions:
Cerebral creatine deficiency syndrome. Also called: Creatine deficiency syndromes. Identifiers: Orphanet 79172, MedGen C5244016, MONDO:0000456.

Submission:

Labcorp Genetics (formerly Invitae), Labcorp
Classification: Uncertain significance for Cerebral creatine deficiency syndrome. Last evaluated: 2021-03-31. Review status: criteria provided, single submitter. Criteria: Invitae Variant Classification Sherloc (09022015). Collection method: clinical testing. Allele origin: germline.
Comment: This variant has not been reported in the literature in individuals with GAMT-related conditions. Algorithms developed to predict the effect of missense changes on protein structure and function are either unavailable or do not agree on the potential impact of this missense change (SIFT: "Tolerated"; PolyPhen-2: "Possibly Damaging"; Align-GVGD: "Class C0"). In summary, the available evidence is currently insufficient to determine the role of this variant in disease. Therefore, it has been classified as a Variant of Uncertain Significance. This variant is not present in population databases (ExAC no frequency). This sequence change replaces leucine with proline at codon 198 of the GAMT protein (p.Leu198Pro). The leucine residue is weakly conserved and there is a moderate physicochemical difference between leucine and proline.

NM_000156.6(GAMT):c.593T>C (p.Leu198Pro)

Gene: GAMT (guanidinoacetate N-methyltransferase; minus strand). Cytogenetic location: 19p13.3.
Variant type: single nucleotide variant.
Coding change: c.593T>C on transcript NM_000156.6 (MANE Select); coding-DNA position 593, T replaced by C.
Protein change: p.Leu198Pro; replaces leucine 198 with proline.
Molecular consequence: missense variant.
Genome position (GRCh38, 1-based): chr19:1,397,477, A>G on the plus strand (T>C on the coding strand, the complement: GAMT is on the minus strand). VCF-style: chr19-1397477-A-G. GRCh37 (hg19) VCF-style: chr19-1397476-A-G.
Other names: short protein forms L198P.
Identifiers: ClinVar variation 1462024 (VCV001462024.8), dbSNP rs1030954874, ClinGen allele CA402990967.